The following is an entry in ClinVar:

ClinVar aggregate classification (germline): Likely pathogenic (1 of 4 stars; one submission).

Conditions:
CTCF-related disorder. Also called: CTCF-related condition. Identifiers: MedGen CN381101.

Submission:

PreventionGenetics, part of Exact Sciences
Classification: Likely pathogenic for CTCF-related condition. Last evaluated: 2026-03-05. Review status: criteria provided, single submitter. Criteria: ACMG Guidelines, 2015. Collection method: clinical testing. Allele origin: germline.
Comment: The CTCF c.663delA variant is predicted to result in a frameshift and premature protein termination (p.Asp222Metfs*28). To our knowledge, this variant has not been reported in the literature or in a large population database (gnomAD), indicating this variant is rare. Frameshift variants in CTCF are expected to be pathogenic. This variant is interpreted as likely pathogenic.

NM_006565.4(CTCF):c.663del (p.Asp222fs)

Gene: CTCF (CCCTC-binding factor; plus strand). Cytogenetic location: 16q22.1.
Variant type: Deletion.
Coding change: c.663del on transcript NM_006565.4 (MANE Select); coding-DNA position 663, one base deleted (A; older notation c.663delA).
Protein change: p.Asp222fs; shifts the reading frame from aspartic acid 222.
Molecular consequence: frameshift variant. On other transcripts: intron variant (1).
Genome position (GRCh38, 1-based): chr16:67,611,495, A deleted. VCF-style (leftmost placement, unchanged base first): chr16-67611494-TA-T. GRCh37 (hg19) VCF-style: chr16-67645397-TA-T.
Other names: c.663del, p.Asp222fs (NM_001363916.2, NM_001438968.1, NM_001438969.1); c.-32-5250del (NM_001191022.2); short protein forms D222fs.
Identifiers: ClinVar variation 4979245 (VCV004979245.1).
Genomic context (GRCh38, chr16:67,611,494, plus strand): 5'-CCAAAAAAACAAAGAAAACCAAAAAGAGCAAACTGCGTTATACAGAGGAGGGCAAAGATG[TA>T]GATGTGTCTGTCTACGATTTTGAGGAAGAACAGCAGGAGGGTCTGCTATCAGAGGTTAAT-3'